The following is an entry in ClinVar:

NM_152564.5(VPS13B):c.1098T>C (p.Phe366=)

Gene: VPS13B (vacuolar protein sorting 13 homolog B; plus strand). Cytogenetic location: 8q22.2.
Variant type: single nucleotide variant.
Coding change: c.1098T>C on transcript NM_152564.5 (MANE Select); coding-DNA position 1098, T replaced by C.
Protein change: p.Phe366=; no amino-acid change (phenylalanine 366 retained).
Molecular consequence: synonymous variant. On other transcripts: non-coding transcript variant (1).
Genome position (GRCh38, 1-based): chr8:99,121,337, T>C. VCF-style: chr8-99121337-T-C. GRCh37 (hg19) VCF-style: chr8-100133565-T-C.
Other names: c.1098T>C (NM_152564.4); c.1098T>C, p.Phe366= (NM_015243.3, NM_017890.5, NM_181661.3).
Identifiers: ClinVar variation 1620194 (VCV001620194.9), dbSNP rs1490561096, ClinGen allele CA462464005.

ClinVar aggregate classification (germline): Likely benign. Review status: criteria provided, single submitter (1 of 4 stars). 2 submissions from 2 submitters: Likely benign (1). 1 of the submissions does not count toward it. Last evaluated 2022-08-23.

Conditions:
VPS13B-related disorder. Also called: VPS13B-related condition.
Cohen syndrome (COH1). Also called: Cutis verticis gyrata, retinitis pigmentosa, and sensorineural deafness; PEPPER SYNDROME. Identifiers: Orphanet 193, MedGen C0265223, MONDO:0008999, OMIM 216550.

Allele frequency attached by ClinVar (database versions not stated): gnomAD exomes below 0.00001.
gnomAD v4.1: 1 of 1,614,184 alleles (0.000062%); highest among the groups gnomAD compares: Non-Finnish European, 0.000085%; no homozygotes.

Submissions (2):

Labcorp Genetics (formerly Invitae), Labcorp
Classification: Likely benign for Cohen syndrome. Last evaluated: 2022-08-23. Review status: criteria provided, single submitter. Criteria: Invitae Variant Classification Sherloc (09022015). Collection method: clinical testing. Allele origin: germline.

PreventionGenetics, part of Exact Sciences
Classification: Likely benign for VPS13B-related condition. Last evaluated: 2024-06-26. Review status: no assertion criteria provided. Collection method: clinical testing. Allele origin: germline. Not counted in ClinVar's aggregate classification.
Comment: This variant is classified as likely benign based on ACMG/AMP sequence variant interpretation guidelines (Richards et al. 2015 PMID: 25741868, with internal and published modifications).